The following is an entry in ClinVar:

ClinVar aggregate classification (germline): Uncertain significance (1 of 4 stars; one submission).

Submission:

Labcorp Genetics (formerly Invitae), Labcorp
Classification: Uncertain significance. Last evaluated: 2022-12-12. Review status: criteria provided, single submitter. Criteria: Invitae Variant Classification Sherloc (09022015). Collection method: clinical testing. Allele origin: germline.
Comment: Advanced modeling of protein sequence and biophysical properties (such as structural, functional, and spatial information, amino acid conservation, physicochemical variation, residue mobility, and thermodynamic stability) performed at Invitae indicates that this missense variant is expected to disrupt RS1 protein function. In summary, the available evidence is currently insufficient to determine the role of this variant in disease. Therefore, it has been classified as a Variant of Uncertain Significance. This variant disrupts the p.Arg122 amino acid residue in RS1. Other variant(s) that disrupt this residue have been observed in individuals with RS1-related conditions (PMID: 12928282), which suggests that this may be a clinically significant amino acid residue. ClinVar contains an entry for this variant (Variation ID: 1053858). This variant has not been reported in the literature in individuals affected with RS1-related conditions. This variant is not present in population databases (gnomAD no frequency). This sequence change replaces tryptophan, which is neutral and slightly polar, with arginine, which is basic and polar, at codon 122 of the RS1 protein (p.Trp122Arg).

Literature cited by the submitters: PubMed 12928282.

NM_000330.4(RS1):c.364T>C (p.Trp122Arg)

Genes: CDKL5 (cyclin dependent kinase like 5; plus strand), RS1 (retinoschisin 1; minus strand). Cytogenetic location: Xp22.13.
Variant type: single nucleotide variant.
Coding change: c.364T>C on transcript NM_000330.4 (MANE Select); coding-DNA position 364, T replaced by C.
Protein change: p.Trp122Arg; replaces tryptophan 122 with arginine.
Molecular consequence: missense variant. On other transcripts: intron variant (2).
Genome position (GRCh38, 1-based): chrX:18,644,588, A>G on the plus strand (T>C on the coding strand, the complement: RS1 is on the minus strand). VCF-style: chrX-18644588-A-G. GRCh37 (hg19) VCF-style: chrX-18662708-A-G.
Other names: c.2714-1419A>G (NM_003159.3, NM_001037343.2); short protein forms W122R.
Identifiers: ClinVar variation 1053858 (VCV001053858.9), dbSNP rs2147191370, ClinGen allele CA412372238.